The following is an entry in ClinVar:

ClinVar aggregate classification (germline): Uncertain significance. Review status: criteria provided, multiple submitters, no conflicts (2 of 4 stars). 7 submissions from 7 submitters: Uncertain significance (7). Last evaluated 2025-11-24.

Conditions:
Hereditary cancer-predisposing syndrome. Also called: Tumor predisposition; Hereditary Cancer Syndrome; Neoplastic Syndromes, Hereditary; Hereditary neoplastic syndrome. Identifiers: Orphanet 140162, MedGen C0027672, MeSH D009386, MONDO:0015356.
Familial cancer of breast. Also called: Hereditary breast cancer; BREAST CANCER, FAMILIAL; hereditary breast carcinoma. Identifiers: Orphanet 227535, MedGen C0346153, MONDO:0016419, OMIM 114480. Disease mechanism: loss of function.
Ataxia-telangiectasia syndrome (AT). Also called: Cerebello-oculocutaneous telangiectasia; Immunodeficiency with ataxia telangiectasia; Ataxia telangiectasia (A-T); LOUIS-BAR SYNDROME; ATAXIA-TELANGIECTASIA, COMPLEMENTATION GROUP A; ATAXIA-TELANGIECTASIA, FRESNO VARIANT. Identifiers: Orphanet 100, MedGen C0004135, MONDO:0008840, OMIM 208900.

Allele frequency attached by ClinVar (database versions not stated): gnomAD exomes 0.00001.
gnomAD v4.1: 6 of 1,613,638 alleles (0.00037%); highest among the groups gnomAD compares: Non-Finnish European, 0.00051%; no homozygotes.

Submissions (7):

Labcorp Genetics (formerly Invitae), Labcorp
Classification: Uncertain significance for Ataxia-telangiectasia syndrome. Last evaluated: 2025-11-24. Review status: criteria provided, single submitter. Criteria: Invitae Variant Classification Sherloc (09022015). Collection method: clinical testing. Allele origin: germline.
Comment: This sequence change replaces lysine, which is basic and polar, with asparagine, which is neutral and polar, at codon 31 of the ATM protein (p.Lys31Asn). This variant is not present in population databases (gnomAD no frequency). This variant has not been reported in the literature in individuals affected with ATM-related conditions. ClinVar contains an entry for this variant (Variation ID: 216237). Invitae Evidence Modeling of protein sequence and biophysical properties (such as structural, functional, and spatial information, amino acid conservation, physicochemical variation, residue mobility, and thermodynamic stability) indicates that this missense variant is not expected to disrupt ATM protein function with a negative predictive value of 95%. In summary, the available evidence is currently insufficient to determine the role of this variant in disease. Therefore, it has been classified as a Variant of Uncertain Significance.

Color Diagnostics, LLC DBA Color Health
Classification: Uncertain significance for Hereditary cancer-predisposing syndrome. Last evaluated: 2024-03-06. Review status: criteria provided, single submitter. Criteria: ACMG Guidelines, 2015. Collection method: clinical testing. Allele origin: germline.
Comment: This missense variant replaces lysine with asparagine at codon 31 of the ATM protein. Computational prediction suggests that this variant may not impact protein structure and function (internally defined REVEL score threshold <= 0.5, PMID: 27666373). To our knowledge, functional studies have not been reported for this variant. This variant has not been reported in individuals affected with hereditary cancer in the literature. This variant has not been identified in the general population by the Genome Aggregation Database (gnomAD). The available evidence is insufficient to determine the role of this variant in disease conclusively. Therefore, this variant is classified as a Variant of Uncertain Significance.

Baylor Genetics
Classification: Uncertain significance for Familial cancer of breast. Last evaluated: 2024-02-16. Review status: criteria provided, single submitter. Criteria: ACMG Guidelines, 2015. Collection method: clinical testing. Allele origin: unknown.

Ambry Genetics
Classification: Uncertain significance for Hereditary cancer-predisposing syndrome. Last evaluated: 2024-01-01. Review status: criteria provided, single submitter. Criteria: Ambry Variant Classification Scheme 2023. Collection method: clinical testing. Allele origin: germline.
Comment: The p.K31N variant (also known as c.93G>C), located in coding exon 2 of the ATM gene, results from a G to C substitution at nucleotide position 93. The lysine at codon 31 is replaced by asparagine, an amino acid with similar properties. This amino acid position is highly conserved in through mammals, but not in available lower vertebrate species. In addition, this alteration is predicted to be tolerated by in silico analysis. Since supporting evidence is limited at this time, the clinical significance of this alteration remains unclear.

Institute for Biomarker Research, Medical Diagnostic Laboratories, L.L.C.
Classification: Uncertain significance for Hereditary cancer-predisposing syndrome. Last evaluated: 2023-03-30. Review status: criteria provided, single submitter. Criteria: ACMG Guidelines, 2015. Collection method: clinical testing. Allele origin: germline.

GeneDx
Classification: Uncertain significance. Last evaluated: 2023-02-05. Review status: criteria provided, single submitter. Criteria: GeneDx Variant Classification Process June 2021. Collection method: clinical testing. Allele origin: germline. Affected: yes.
Comment: Not observed at significant frequency in large population cohorts (gnomAD); In silico analysis supports that this missense variant has a deleterious effect on protein structure/function; Has not been previously published as pathogenic or benign to our knowledge

Women's Health and Genetics/Laboratory Corporation of America, LabCorp
Classification: Uncertain significance. Last evaluated: 2019-07-26. Review status: criteria provided, single submitter. Criteria: LabCorp Variant Classification Summary - May 2015. Collection method: clinical testing. Allele origin: germline.
Comment: Variant summary: ATM c.93G>C (p.Lys31Asn) results in a non-conservative amino acid change located in the telomere-length maintenance and DNA damage repair (IPR021668) of the encoded protein sequence. Three of five in-silico tools predict a damaging effect of the variant on protein function. The variant was absent in 251158 control chromosomes (gnomAD). The available data on variant occurrences in the general population are insufficient to allow any conclusion about variant significance. To our knowledge, no occurrence of c.93G>C in individuals affected with Breast Cancer and no experimental evidence demonstrating its impact on protein function have been reported. Three submitters have provided clinical-significance assessments for this variant to ClinVar after 2014 without evidence for independent evaluation. All laboratories classified the variant as uncertain significance. Based on the evidence outlined above, the variant was classified as uncertain significance.

NM_000051.4(ATM):c.93G>C (p.Lys31Asn)

Gene: ATM (ATM serine/threonine kinase; plus strand). Cytogenetic location: 11q22.3.
Variant type: single nucleotide variant.
Coding change: c.93G>C on transcript NM_000051.4 (MANE Select); coding-DNA position 93, G replaced by C.
Protein change: p.Lys31Asn; replaces lysine 31 with asparagine.
Molecular consequence: missense variant.
Genome position (GRCh38, 1-based): chr11:108,227,796, G>C. VCF-style: chr11-108227796-G-C. GRCh37 (hg19) VCF-style: chr11-108098523-G-C.
Other names: c.93G>C, p.Lys31Asn (NM_001351834.2, NM_001351835.2, NM_001351836.2); short protein forms K31N.
Identifiers: ClinVar variation 216237 (VCV000216237.21), dbSNP rs863224583, ClinGen allele CA336966.
Genomic context (GRCh38, chr11:108,227,796, plus strand): 5'-TGTGATTAGTAACCCATTATTATTTCCTTTTTATTTTCAGAAAGAAGTTGAGAAATTTAA[G>C]CGCCTGATTCGAGATCCTGAAACAATTAAACATCTAGATCGGCATTCAGATTCCAAACAA-3'
Protein context (NP_000042.3, residues 21-41): TERKKEVEKF[Lys31Asn]RLIRDPETIK